The following is an entry in ClinVar:

ClinVar aggregate classification (germline): Uncertain significance (1 of 4 stars; one submission).

Conditions:
Adams-Oliver syndrome 5 (AOS5). Identifiers: Orphanet 974, MedGen C4014970, MONDO:0014459, OMIM 616028.

Submission:

Labcorp Genetics (formerly Invitae), Labcorp
Classification: Uncertain significance for Adams-Oliver syndrome 5. Last evaluated: 2021-10-24. Review status: criteria provided, single submitter. Criteria: Invitae Variant Classification Sherloc (09022015). Collection method: clinical testing. Allele origin: germline.
Comment: This sequence change replaces alanine with valine at codon 2553 of the NOTCH1 protein (p.Ala2553Val). The alanine residue is moderately conserved and there is a small physicochemical difference between alanine and valine. This variant is not present in population databases (ExAC no frequency). This variant has not been reported in the literature in individuals affected with NOTCH1-related conditions. Advanced modeling of protein sequence and biophysical properties (such as structural, functional, and spatial information, amino acid conservation, physicochemical variation, residue mobility, and thermodynamic stability) performed at Invitae indicates that this missense variant is not expected to disrupt NOTCH1 protein function. In summary, the available evidence is currently insufficient to determine the role of this variant in disease. Therefore, it has been classified as a Variant of Uncertain Significance.

NM_017617.5(NOTCH1):c.7658C>T (p.Ala2553Val)

Gene: NOTCH1 (notch receptor 1; minus strand). Cytogenetic location: 9q34.3.
Variant type: single nucleotide variant.
Coding change: c.7658C>T on transcript NM_017617.5 (MANE Select); coding-DNA position 7658, C replaced by T.
Protein change: p.Ala2553Val; replaces alanine 2553 with valine.
Molecular consequence: missense variant.
Genome position (GRCh38, 1-based): chr9:136,496,081, G>A on the plus strand (C>T on the coding strand, the complement: NOTCH1 is on the minus strand). VCF-style: chr9-136496081-G-A. GRCh37 (hg19) VCF-style: chr9-139390533-G-A.
Other names: short protein forms A2553V.
Identifiers: ClinVar variation 1507051 (VCV001507051.6), dbSNP rs2133313653, ClinGen allele CA375625639.
Genomic context (GRCh38, chr9:136,496,081, plus strand): 5'-GACGCCCGAAGGCTTGGGAAAGGAAGCCGGGGTCTCGTGGGGCGCGCCGTTTACTTGAAG[G>A]CCTCCGGAATGCGGGCGATCTGGGACTGCATGCTGGTGGGAGGGCTGGAGACGCCCTCGG-3'
Protein context (NP_060087.3, residues 2543-2555): MQSQIARIPE[Ala2553Val]FK